The following is an entry in ClinVar:

ClinVar aggregate classification (germline): Likely benign (1 of 4 stars; one submission).

gnomAD v4.1: 14 of 296,524 alleles (0.0047%); highest among the groups gnomAD compares: Non-Finnish European, 0.0065%; no homozygotes.

Submission:

CeGaT Center for Human Genetics Tuebingen
Classification: Likely benign. Last evaluated: 2025-06-01. Review status: criteria provided, single submitter. Criteria: CeGaT Center For Human Genetics Tuebingen Variant Classification Criteria Version 2. Collection method: clinical testing. Allele origin: germline. Affected: yes. Observed: 1 variant allele.
Comment: CENPVL3: BS2

NM_001355276.2(CENPVL3):c.170A>G (p.Lys57Arg)

Gene: CENPVL3 (centromere protein V like 3; minus strand). Cytogenetic location: Xp11.22.
Variant type: single nucleotide variant.
Coding change: c.170A>G on transcript NM_001355276.2 (MANE Select); coding-DNA position 170, A replaced by G.
Protein change: p.Lys57Arg; replaces lysine 57 with arginine.
Molecular consequence: missense variant.
Genome position (GRCh38, 1-based): chrX:51,618,704, T>C on the plus strand (A>G on the coding strand, the complement: CENPVL3 is on the minus strand). VCF-style: chrX-51618704-T-C. GRCh37 (hg19) VCF-style: chrX-51361556-T-C.
Other names: short protein forms K57R.
Identifiers: ClinVar variation 3905424 (VCV003905424.10).